The following is an entry in ClinVar:

NM_005097.4(LGI1):c.1035C>G (p.Tyr345Ter)

Gene: LGI1 (leucine rich glioma inactivated 1; plus strand). Cytogenetic location: 10q23.33.
Variant type: single nucleotide variant.
Coding change: c.1035C>G on transcript NM_005097.4 (MANE Select); coding-DNA position 1035, C replaced by G.
Protein change: p.Tyr345Ter; replaces tyrosine 345 with a stop codon.
Molecular consequence: nonsense. On other transcripts: non-coding transcript variant (1), intron variant (1).
Genome position (GRCh38, 1-based): chr10:93,797,164, C>G. VCF-style: chr10-93797164-C-G. GRCh37 (hg19) VCF-style: chr10-95556921-C-G.
Other names: c.891C>G, p.Tyr297Ter (NM_001308276.2); c.839-585C>G (NM_001308275.2); short protein forms Y297*, Y345*.
Identifiers: ClinVar variation 4735529 (VCV004735529.1).

ClinVar aggregate classification (germline): Pathogenic (1 of 4 stars; one submission).

Conditions:
Autosomal dominant epilepsy with auditory features. Identifiers: Orphanet 101046, MedGen C1838062, MONDO:0010898.

Submission:

Labcorp Genetics (formerly Invitae), Labcorp
Classification: Pathogenic for Autosomal dominant epilepsy with auditory features. Last evaluated: 2026-01-17. Review status: criteria provided, single submitter. Criteria: Invitae Variant Classification Sherloc (09022015). Collection method: clinical testing. Allele origin: germline.
Comment: This sequence change creates a premature translational stop signal (p.Tyr345*) in the LGI1 gene. While this is not anticipated to result in nonsense mediated decay, it is expected to disrupt the last 213 amino acid(s) of the LGI1 protein. This variant is not present in population databases (gnomAD no frequency). This variant has not been reported in the literature in individuals affected with LGI1-related conditions. This variant disrupts a region of the LGI1 protein in which other variant(s) ( p.Ile547Asnfs*8) have been determined to be pathogenic (PMID: 11810107, 15857855, 18711109). This suggests that this is a clinically significant region of the protein, and that variants that disrupt it are likely to be disease-causing. For these reasons, this variant has been classified as Pathogenic.

Literature cited by the submitters: PubMed 11810107; PubMed 15857855; PubMed 18711109.